The following is an entry in ClinVar:

NM_001399.5(EDA):c.998C>G (p.Thr333Arg)

Gene: EDA (ectodysplasin A; plus strand). Cytogenetic location: Xq13.1.
Variant type: single nucleotide variant.
Coding change: c.998C>G on transcript NM_001399.5 (MANE Select); coding-DNA position 998, C replaced by G.
Protein change: p.Thr333Arg; replaces threonine 333 with arginine.
Molecular consequence: missense variant.
Genome position (GRCh38, 1-based): chrX:70,035,431, C>G. VCF-style: chrX-70035431-C-G. GRCh37 (hg19) VCF-style: chrX-69255281-C-G.
Other names: c.992C>G, p.Thr331Arg (NM_001005609.2); c.983C>G, p.Thr328Arg (NM_001005612.3); short protein forms T333R, T328R, T331R.
Identifiers: ClinVar variation 451037 (VCV000451037.7), dbSNP rs1556110379, ClinGen allele CA413449743.
Genomic context (GRCh38, chrX:70,035,431, plus strand): 5'-ACTTCACTGACTTTGCCAGCTATGAGGTGGTGGTGGATGAGAAGCCCTTCCTGCAGTGCA[C>G]ACGCAGCATCGAGACGGGCAAGACCAACTACAACACTTGCTATACCGCAGGCGTCTGCCT-3'
Protein context (NP_001390.1, residues 323-343): VVDEKPFLQC[Thr333Arg]RSIETGKTNY

ClinVar aggregate classification (germline): Pathogenic/Likely pathogenic. Review status: criteria provided, multiple submitters, no conflicts (2 of 4 stars). 2 submissions from 2 submitters: Pathogenic (1); Likely pathogenic (1). Last evaluated 2022-12-13.

Conditions:
Hypohidrotic X-linked ectodermal dysplasia (XHED). Also called: ECTODERMAL DYSPLASIA, HYPOHIDROTIC, 1; CST SYNDROME; ECTODERMAL DYSPLASIA 1; Ectodermal Dysplasia 1, Anhidrotic; ECTODERMAL DYSPLASIA 1, HYPOHIDROTIC/HAIR/TOOTH TYPE, X-LINKED; Anhidrotic ectodermal dysplasia X-linked. Identifiers: Orphanet 181, Orphanet 238468, MedGen C0162359, MONDO:0010585, OMIM 305100.

Submissions (2):

Labcorp Genetics (formerly Invitae), Labcorp
Classification: Pathogenic for Hypohidrotic X-linked ectodermal dysplasia. Last evaluated: 2022-12-13. Review status: criteria provided, single submitter. Criteria: Invitae Variant Classification Sherloc (09022015). Collection method: clinical testing. Allele origin: germline.
Comment: For these reasons, this variant has been classified as Pathogenic. Advanced modeling of protein sequence and biophysical properties (such as structural, functional, and spatial information, amino acid conservation, physicochemical variation, residue mobility, and thermodynamic stability) performed at Invitae indicates that this missense variant is expected to disrupt EDA protein function. ClinVar contains an entry for this variant (Variation ID: 451037). This missense change has been observed in individual(s) with clinical features of ectodermal dysplasia (Invitae). In at least one individual the variant was observed to be de novo. This variant is not present in population databases (gnomAD no frequency). This sequence change replaces threonine, which is neutral and polar, with arginine, which is basic and polar, at codon 333 of the EDA protein (p.Thr333Arg).

GeneDx
Classification: Likely pathogenic. Last evaluated: 2017-09-14. Review status: criteria provided, single submitter. Criteria: GeneDx Variant Classification (06012015). Collection method: clinical testing. Allele origin: germline. Affected: yes.
Comment: The T333R variant has not been published as a pathogenic variant, nor has it been reported as a benign variant to our knowledge. This variant is not observed in large population cohorts (Lek et al., 2016; 1000 Genomes Consortium et al., 2015; Exome Variant Server). T333R is a semi-conservative amino acid substitution, which may impact secondary protein structure as these residues differ in some properties. This substitution occurs at a position within the TNF homology domain that is conserved across species, and in silico analysis predicts this variant is probably damaging to the protein structure/function. Variants in the TNF homology domain have been shown to have a significant negative impact on the binding of EDA-A1 to EDAR and EDA-A2 to XEDAR (Schneider et al., 2001). Also, missense variants in nearby residues (L330P, Q331H, C332Y/F, R334H, T338M) have been reported in the Human Gene Mutation Database in association with EDA1-related disorders (Stenson et al., 2014), supporting the functional importance of this region of the protein. Additionally, EDA1 has a low rate of benign missense variation and missense variants are a common mechanism of disease in this gene. Therefore, this variant is likely pathogenic.